The following is an entry in ClinVar:

NM_001039591.3(USP9X):c.7475C>T (p.Pro2492Leu)

Gene: USP9X (ubiquitin specific peptidase 9 X-linked; plus strand). Cytogenetic location: Xp11.4.
Variant type: single nucleotide variant.
Coding change: c.7475C>T on transcript NM_001039591.3 (MANE Select); coding-DNA position 7475, C replaced by T.
Protein change: p.Pro2492Leu; replaces proline 2492 with leucine.
Molecular consequence: missense variant.
Genome position (GRCh38, 1-based): chrX:41,230,544, C>T. VCF-style: chrX-41230544-C-T. GRCh37 (hg19) VCF-style: chrX-41089797-C-T.
Other names: c.7523C>T, p.Pro2508Leu (NM_001039590.3); c.7538C>T, p.Pro2513Leu (NM_001410748.1); c.7490C>T, p.Pro2497Leu (NM_001410749.1); short protein forms P2508L, P2513L, P2492L, P2497L.
Identifiers: ClinVar variation 2100399 (VCV002100399.4), dbSNP rs2519417706, ClinGen allele CA412754577.

ClinVar aggregate classification (germline): Uncertain significance (1 of 4 stars; one submission).

Allele frequency attached by ClinVar (database versions not stated): gnomAD exomes below 0.00001.
gnomAD v4.1: 2 of 1,211,235 alleles (0.00017%); highest among the groups gnomAD compares: East Asian, 0.003%; no homozygotes.

Submission:

Labcorp Genetics (formerly Invitae), Labcorp
Classification: Uncertain significance. Last evaluated: 2023-10-03. Review status: criteria provided, single submitter. Criteria: Invitae Variant Classification Sherloc (09022015). Collection method: clinical testing. Allele origin: germline.
Comment: This sequence change replaces proline, which is neutral and non-polar, with leucine, which is neutral and non-polar, at codon 2508 of the USP9X protein (p.Pro2508Leu). This variant is not present in population databases (gnomAD no frequency). This variant has not been reported in the literature in individuals affected with USP9X-related conditions. ClinVar contains an entry for this variant (Variation ID: 2100399). An algorithm developed to predict the effect of missense changes on protein structure and function (PolyPhen-2) suggests that this variant is likely to be tolerated. In summary, the available evidence is currently insufficient to determine the role of this variant in disease. Therefore, it has been classified as a Variant of Uncertain Significance.